The following is an entry in ClinVar:

ClinVar aggregate classification (germline): Benign. Review status: criteria provided, multiple submitters, no conflicts (2 of 4 stars). 2 submissions from 2 submitters: Benign (2). Last evaluated 2018-01-13.

Conditions:
Doyne honeycomb retinal dystrophy (DHRD). Also called: DOYNE HONEYCOMB DEGENERATION OF RETINA; MALATTIA LEVENTINESE; DRUSEN, RADIAL, AUTOSOMAL DOMINANT. Identifiers: Orphanet 75376, MedGen C1832174, MONDO:0007471, OMIM 126600.

Allele frequency attached by ClinVar (database versions not stated): gnomAD 0.00002 and 0.00049; TOPMed 0.00009; gnomAD exomes 0.00060; 1000 Genomes Project 30x 0.00281; 1000 Genomes Project 0.00339.
gnomAD v4.1: 654 of 1,102,036 alleles (0.059%); highest among the groups gnomAD compares: South Asian, 1.6%; 16 homozygotes.

Submissions (2):

Illumina Laboratory Services, Illumina
Classification: Benign for Doyne honeycomb retinal dystrophy. Last evaluated: 2018-01-13. Review status: criteria provided, single submitter. Criteria: ICSL Variant Classification Criteria 13 December 2019. Collection method: clinical testing. Allele origin: germline.
Comment: This variant was observed in the ICSL laboratory as part of a predisposition screen in an ostensibly healthy population. It had not been previously curated by ICSL or reported in the Human Gene Mutation Database (HGMD: prior to June 1st, 2018), and was therefore a candidate for classification through an automated scoring system. Utilizing variant allele frequency, disease prevalence and penetrance estimates, and inheritance mode, an automated score was calculated to assess if this variant is too frequent to cause the disease. Based on the score and internal cut-off values, a variant classified as benign is not then subjected to further curation. The score for this variant resulted in a classification of benign for this disease.

Breakthrough Genomics
Classification: Benign. Review status: criteria provided, single submitter. Criteria: ACMG Guidelines, 2015. Collection method: not provided. Allele origin: germline. Inheritance: Autosomal dominant inheritance. Affected: yes.

NM_001039348.3(EFEMP1):c.-16T>A

Gene: EFEMP1 (EGF-like fibulin extracellular matrix protein 1; minus strand). Cytogenetic location: 2p16.1.
Variant type: single nucleotide variant.
Coding change: c.-16T>A on transcript NM_001039348.3 (MANE Select); 16 bases upstream of the start codon, T replaced by A.
Molecular consequence: 5 prime UTR variant. On other transcripts: intron variant (1).
Genome position (GRCh38, 1-based): chr2:55,922,907, A>T on the plus strand (T>A on the coding strand, the complement: EFEMP1 is on the minus strand). VCF-style: chr2-55922907-A-T. GRCh37 (hg19) VCF-style: chr2-56150042-A-T.
Other names: c.-7-460T>A (NM_001039349.3).
Identifiers: ClinVar variation 336633 (VCV000336633.6), dbSNP rs187417918, ClinGen allele CA10613698.
Genomic context (GRCh38, chr2:55,922,907, plus strand): 5'-GGGCTGCAAAACTCTGTTCTCTAGAACGTTAAGGCTTTCCCAGTATACTCACCTTGAGCT[A>T]GCAGAGTTCCTTGCACAGCACAGCAAAAATACCTGTGAGCCAATATGAATTGCCTTGGCC-3'